The following is an entry in ClinVar:

NM_001256545.2(MEGF10):c.2822A>G (p.His941Arg)

Gene: MEGF10 (multiple EGF like domains 10; plus strand). Cytogenetic location: 5q23.2.
Variant type: single nucleotide variant.
Coding change: c.2822A>G on transcript NM_001256545.2 (MANE Select); coding-DNA position 2822, A replaced by G.
Protein change: p.His941Arg; replaces histidine 941 with arginine.
Molecular consequence: missense variant.
Genome position (GRCh38, 1-based): chr5:127,447,650, A>G. VCF-style: chr5-127447650-A-G. GRCh37 (hg19) VCF-style: chr5-126783342-A-G.
Other names: c.2822A>G, p.His941Arg (NM_032446.3); c.2822A>G (NM_032446.2); short protein forms H941R.
Identifiers: ClinVar variation 1061345 (VCV001061345.8), dbSNP rs761698194, ClinGen allele CA3392028.

ClinVar aggregate classification (germline): Uncertain significance. Review status: criteria provided, multiple submitters, no conflicts (2 of 4 stars). 2 submissions from 2 submitters: Uncertain significance (2). Last evaluated 2024-12-22.

Conditions:
MEGF10-related myopathy (CMYO10A). Also called: Congenital myopathy 10A, severe variant. Identifiers: Orphanet 439212, MedGen C3280679, MONDO:0013731, OMIM 614399.
Inborn genetic diseases. Identifiers: MedGen C0950123, MeSH D030342.

Allele frequency attached by ClinVar (database versions not stated): gnomAD 0.00001; gnomAD exomes 0.00001 and 0.00002; ExAC 0.00003; TOPMed 0.00003.
gnomAD v4.1: 17 of 1,613,920 alleles (0.0011%); highest among the groups gnomAD compares: Admixed American, 0.0067%; no homozygotes.

Submissions (2):

Ambry Genetics
Classification: Uncertain significance for Inborn genetic diseases. Last evaluated: 2024-12-22. Review status: criteria provided, single submitter. Criteria: Ambry Variant Classification Scheme 2023. Collection method: clinical testing. Allele origin: germline.

Labcorp Genetics (formerly Invitae), Labcorp
Classification: Uncertain significance for MEGF10-related myopathy. Last evaluated: 2022-05-29. Review status: criteria provided, single submitter. Criteria: Invitae Variant Classification Sherloc (09022015). Collection method: clinical testing. Allele origin: germline.
Comment: This sequence change replaces histidine, which is basic and polar, with arginine, which is basic and polar, at codon 941 of the MEGF10 protein (p.His941Arg). This variant is present in population databases (rs761698194, gnomAD 0.006%). This variant has not been reported in the literature in individuals affected with MEGF10-related conditions. ClinVar contains an entry for this variant (Variation ID: 1061345). Algorithms developed to predict the effect of missense changes on protein structure and function output the following: SIFT: "Deleterious"; PolyPhen-2: "Benign"; Align-GVGD: "Class C0". The arginine amino acid residue is found in multiple mammalian species, which suggests that this missense change does not adversely affect protein function. In summary, the available evidence is currently insufficient to determine the role of this variant in disease. Therefore, it has been classified as a Variant of Uncertain Significance.